The following is an entry in ClinVar:

NM_001365088.1(SLC12A6):c.3074T>C (p.Leu1025Pro)

Gene: SLC12A6 (solute carrier family 12 member 6; minus strand). Cytogenetic location: 15q14.
Variant type: single nucleotide variant.
Coding change: c.3074T>C on transcript NM_001365088.1 (MANE Select); coding-DNA position 3074, T replaced by C.
Protein change: p.Leu1025Pro; replaces leucine 1025 with proline.
Molecular consequence: missense variant.
Genome position (GRCh38, 1-based): chr15:34,236,168, A>G on the plus strand (T>C on the coding strand, the complement: SLC12A6 is on the minus strand). VCF-style: chr15-34236168-A-G. GRCh37 (hg19) VCF-style: chr15-34528369-A-G.
Other names: c.2897T>C, p.Leu966Pro (NM_001042494.2, NM_001042495.2); c.3047T>C, p.Leu1016Pro (NM_001042496.2); c.3029T>C, p.Leu1010Pro (NM_001042497.2); c.2921T>C, p.Leu974Pro (NM_005135.2); c.3074T>C, p.Leu1025Pro (NM_133647.2); short protein forms L1010P, L1016P, L1025P, L966P, L974P.
Identifiers: ClinVar variation 4864551 (VCV004864551.1).

ClinVar aggregate classification (germline): Uncertain significance (1 of 4 stars; one submission).

Conditions:
Inborn genetic diseases. Identifiers: MedGen C0950123, MeSH D030342.

gnomAD v4.1: 5 of 1,613,912 alleles (0.00031%); highest among the groups gnomAD compares: Non-Finnish European, 0.00042%; no homozygotes.

Submission:

Ambry Genetics
Classification: Uncertain significance for Inborn genetic diseases. Last evaluated: 2026-03-19. Review status: criteria provided, single submitter. Criteria: Ambry Variant Classification Scheme 2023. Collection method: clinical testing. Allele origin: germline.
Comment: The c.3074T>C (p.L1025P) alteration is located in exon 23 (coding exon 23) of the SLC12A6 gene. This alteration results from a T to C substitution at nucleotide position 3074, causing the leucine (L) at amino acid position 1025 to be replaced by a proline (P). Based on data from gnomAD, the C allele has an overall frequency of 0.003% (1/31402) total alleles studied. The highest observed frequency was 0.007% (1/15430) of European (non-Finnish) alleles. Based on insufficient or conflicting evidence, the clinical significance of this alteration remains unclear.